The following is an entry in ClinVar:

ClinVar aggregate classification (germline): Conflicting classifications of pathogenicity. Review status: criteria provided, conflicting classifications (1 of 4 stars). 2 submissions from 2 submitters: Uncertain significance (1); Likely benign (1). Last evaluated 2026-07-22.

Conditions:
Hereditary cancer-predisposing syndrome. Also called: Hereditary Cancer Syndrome; Neoplastic Syndromes, Hereditary; Hereditary neoplastic syndrome; Tumor predisposition. Identifiers: Orphanet 140162, MedGen C0027672, MeSH D009386, MONDO:0015356.
Hereditary diffuse gastric adenocarcinoma (HDGC). Also called: DIFFUSE GASTRIC AND LOBULAR BREAST CANCER SYNDROME. Identifiers: Orphanet 26106, MedGen C1708349, MONDO:0007648, OMIM 137215.

Submissions (2):

Ambry Genetics
Classification: Likely benign for Hereditary cancer-predisposing syndrome. Last evaluated: 2026-07-22. Review status: criteria provided, single submitter. Criteria: Ambry Variant Classification Scheme 2023. Collection method: clinical testing. Allele origin: germline.

Labcorp Genetics (formerly Invitae), Labcorp
Classification: Uncertain significance for Hereditary diffuse gastric adenocarcinoma. Last evaluated: 2024-12-19. Review status: criteria provided, single submitter. Criteria: Invitae Variant Classification Sherloc (09022015). Collection method: clinical testing. Allele origin: germline.
Comment: This sequence change replaces threonine, which is neutral and polar, with isoleucine, which is neutral and non-polar, at codon 118 of the CDH1 protein (p.Thr118Ile). This variant is not present in population databases (gnomAD no frequency). This missense change has been observed in individual(s) with breast cancer (PMID: 30287823). ClinVar contains an entry for this variant (Variation ID: 1410395). An algorithm developed to predict the effect of missense changes on protein structure and function (PolyPhen-2) suggests that this variant is likely to be tolerated. In summary, the available evidence is currently insufficient to determine the role of this variant in disease. Therefore, it has been classified as a Variant of Uncertain Significance.

Literature cited by the submitters: PubMed 30287823 (cited by Labcorp Genetics (formerly Invitae), Labcorp).

NM_004360.5(CDH1):c.353C>T (p.Thr118Ile)

Gene: CDH1 (cadherin 1; plus strand). Cytogenetic location: 16q22.1.
Variant type: single nucleotide variant.
Coding change: c.353C>T on transcript NM_004360.5 (MANE Select); coding-DNA position 353, C replaced by T.
Protein change: p.Thr118Ile; replaces threonine 118 with isoleucine.
Molecular consequence: missense variant. On other transcripts: 5 prime UTR variant (2).
Genome position (GRCh38, 1-based): chr16:68,801,859, C>T. VCF-style: chr16-68801859-C-T. GRCh37 (hg19) VCF-style: chr16-68835762-C-T.
Other names: c.353C>T, p.Thr118Ile (NM_001317184.2); c.-1263C>T (NM_001317185.2); c.-1467C>T (NM_001317186.2); c.353C>T (NM_004360.3); short protein forms T118I.
Identifiers: ClinVar variation 1410395 (VCV001410395.7), dbSNP rs587782677, ClinGen allele CA396457449.
Genomic context (GRCh38, chr16:68,801,859, plus strand): 5'-TCTTGGTCTACGCCTGGGACTCCACCTACAGAAAGTTTTCCACCAAAGTCACGCTGAATA[C>T]AGTGGGGCACCACCACCGCCCCCCGCCCCATCAGGTATGTTGGCATTTTTCTGAGAAGTT-3'
Protein context (NP_004351.1, residues 108-128): RKFSTKVTLN[Thr118Ile]VGHHHRPPPH